The following is an entry in ClinVar:

ClinVar aggregate classification (germline): Uncertain significance (0 of 4 stars; one submission).

Conditions:
EP300-related disorder. Also called: EP300-related disorders; EP300-related condition.

gnomAD v4.1: 1 of 1,614,084 alleles (0.000062%); highest among the groups gnomAD compares: Non-Finnish European, 0.000085%; no homozygotes.

Submission:

PreventionGenetics, part of Exact Sciences
Classification: Uncertain significance for EP300-related condition. Last evaluated: 2024-03-06. Review status: no assertion criteria provided. Collection method: clinical testing. Allele origin: germline.
Comment: The EP300 c.3609G>T variant is predicted to result in the amino acid substitution p.Lys1203Asn. To our knowledge, this variant has not been reported in the literature or in a large population database, indicating this variant is rare. At this time, the clinical significance of this variant is uncertain due to the absence of conclusive functional and genetic evidence.

NM_001429.4(EP300):c.3609G>T (p.Lys1203Asn)

Gene: EP300 (E1A binding protein p300; plus strand). Cytogenetic location: 22q13.2.
Variant type: single nucleotide variant.
Coding change: c.3609G>T on transcript NM_001429.4 (MANE Select); coding-DNA position 3609, G replaced by T.
Protein change: p.Lys1203Asn; replaces lysine 1203 with asparagine.
Molecular consequence: missense variant.
Genome position (GRCh38, 1-based): chr22:41,160,660, G>T. VCF-style: chr22-41160660-G-T. GRCh37 (hg19) VCF-style: chr22-41556664-G-T.
Other names: c.3531G>T, p.Lys1177Asn (NM_001362843.2); short protein forms K1177N, K1203N.
Identifiers: ClinVar variation 3348127 (VCV003348127.1).